The following is an entry in ClinVar:

NM_032387.5(WNK4):c.3673del (p.Ser1225fs)

Gene: WNK4 (WNK lysine deficient protein kinase 4; plus strand). Cytogenetic location: 17q21.2.
Variant type: Deletion.
Coding change: c.3673del on transcript NM_032387.5 (MANE Select); coding-DNA position 3673, one base deleted (T; older notation c.3673delT).
Protein change: p.Ser1225fs; shifts the reading frame from serine 1225.
Molecular consequence: frameshift variant.
Genome position (GRCh38, 1-based): chr17:42,796,522, T deleted. VCF-style (leftmost placement, unchanged base first): chr17-42796521-CT-C. GRCh37 (hg19) VCF-style: chr17-40948539-CT-C.
Other names: c.2665del, p.Ser889fs (NM_001321299.2); short protein forms S1225fs, S889fs.
Identifiers: ClinVar variation 1898022 (VCV001898022.2), dbSNP rs763885152, ClinGen allele CA8584676.

ClinVar aggregate classification (germline): Uncertain significance (1 of 4 stars; one submission).

Allele frequency attached by ClinVar (database versions not stated): gnomAD exomes below 0.00001; ExAC 0.00001; gnomAD 0.00001; TOPMed 0.00001.

Submission:

Labcorp Genetics (formerly Invitae), Labcorp
Classification: Uncertain significance. Last evaluated: 2022-05-03. Review status: criteria provided, single submitter. Criteria: Invitae Variant Classification Sherloc (09022015). Collection method: clinical testing. Allele origin: germline.
Comment: This sequence change creates a premature translational stop signal (p.Ser1225Profs*10) in the WNK4 gene. While this is not anticipated to result in nonsense mediated decay, it is expected to disrupt the last 19 amino acid(s) of the WNK4 protein. This variant is present in population databases (rs763885152, gnomAD 0.0009%). This variant has not been reported in the literature in individuals affected with WNK4-related conditions. Experimental studies and prediction algorithms are not available or were not evaluated, and the functional significance of this variant is currently unknown. In summary, the available evidence is currently insufficient to determine the role of this variant in disease. Therefore, it has been classified as a Variant of Uncertain Significance.